The following is an entry in ClinVar:

NM_000463.3(UGT1A1):c.354G>T (p.Lys118Asn)

Genes: UGT1A1 (UDP glucuronosyltransferase family 1 member A1; plus strand), UGT1A10 (UDP glucuronosyltransferase family 1 member A10; plus strand), UGT1A4 (UDP glucuronosyltransferase family 1 member A4; plus strand), UGT1A5 (UDP glucuronosyltransferase family 1 member A5; plus strand), UGT1A6 (UDP glucuronosyltransferase family 1 member A6; plus strand) and 5 more. Cytogenetic location: 2q37.1.
Variant type: single nucleotide variant.
Coding change: c.354G>T on transcript NM_000463.3 (MANE Select); coding-DNA position 354, G replaced by T.
Protein change: p.Lys118Asn; replaces lysine 118 with asparagine.
Molecular consequence: missense variant. On other transcripts: intron variant (9).
Genome position (GRCh38, 1-based): chr2:233,760,641, G>T. VCF-style: chr2-233760641-G-T. GRCh37 (hg19) VCF-style: chr2-234669287-G-T.
Other names: c.856-6393G>T (NM_019076.5, NM_019075.4, NM_021027.3 and 1 more transcripts); c.61-6393G>T (NM_205862.3); c.862-6393G>T (NM_001072.4); c.868-6393G>T (NM_019078.2, NM_007120.3, NM_019093.4); short protein forms K118N.
Identifiers: ClinVar variation 2438471 (VCV002438471.6), dbSNP rs200734586, ClinGen allele CA2179813.
Genomic context (GRCh38, chr2:233,760,641, plus strand): 5'-TGTTTTTGAGAATGATTCTTTCCTGCAGCGTGTGATCAAAACATACAAGAAAATAAAAAA[G>T]GACTCTGCTATGCTTTTGTCTGGCTGTTCCCACTTACTGCACAACAAGGAGCTCATGGCC-3'
Protein context (NP_000454.1, residues 108-128): RVIKTYKKIK[Lys118Asn]DSAMLLSGCS

ClinVar aggregate classification (germline): Uncertain significance. Review status: criteria provided, multiple submitters, no conflicts (2 of 4 stars). 3 submissions from 3 submitters: Uncertain significance (3). Last evaluated 2026-06-24.

Conditions:
UGT1A1-related disorder. Also called: UGT1A1-related condition; UGT1A1-related disorders.

Allele frequency attached by ClinVar (database versions not stated): gnomAD 0.00008; TOPMed 0.00008; ExAC 0.00009; gnomAD exomes 0.00016; ESP Exome Variant Server 0.00038.
gnomAD v4.1: 243 of 1,614,044 alleles (0.015%); highest among the groups gnomAD compares: Non-Finnish European, 0.02%; no homozygotes.

Submissions (3):

PreventionGenetics, part of Exact Sciences
Classification: Uncertain significance for UGT1A1-related condition. Last evaluated: 2026-06-24. Review status: criteria provided, single submitter. Criteria: ACMG Guidelines, 2015. Collection method: clinical testing. Allele origin: germline.
Comment: The UGT1A1 c.354G>T variant is predicted to result in the amino acid substitution p.Lys118Asn. To our knowledge, this variant has not been reported in the literature. This variant is reported in 0.017% of alleles in individuals of European (Non-Finnish) descent in gnomAD. At this time, the clinical significance of this variant is uncertain due to the absence of conclusive functional and genetic evidence.

Revvity Omics, Revvity
Classification: Uncertain significance. Last evaluated: 2024-07-17. Review status: criteria provided, single submitter. Criteria: ACMG Guidelines, 2015. Collection method: clinical testing. Allele origin: germline.

Labcorp Genetics (formerly Invitae), Labcorp
Classification: Uncertain significance. Last evaluated: 2024-04-06. Review status: criteria provided, single submitter. Criteria: Invitae Variant Classification Sherloc (09022015). Collection method: clinical testing. Allele origin: germline.
Comment: This sequence change replaces lysine, which is basic and polar, with asparagine, which is neutral and polar, at codon 118 of the UGT1A1 protein (p.Lys118Asn). This variant is present in population databases (rs200734586, gnomAD 0.02%). This missense change has been observed in individual(s) with clinical features of hyperbilirubinemia (Invitae). In at least one individual the data is consistent with being in trans (on the opposite chromosome) from a pathogenic variant. ClinVar contains an entry for this variant (Variation ID: 2438471). Advanced modeling of protein sequence and biophysical properties (such as structural, functional, and spatial information, amino acid conservation, physicochemical variation, residue mobility, and thermodynamic stability) performed at Invitae indicates that this missense variant is not expected to disrupt UGT1A1 protein function with a negative predictive value of 80%. In summary, the available evidence is currently insufficient to determine the role of this variant in disease. Therefore, it has been classified as a Variant of Uncertain Significance.